The following is an entry in ClinVar:

NM_198859.4(PRICKLE2):c.2126C>G (p.Ser709Cys)

Genes: PRICKLE2 (prickle planar cell polarity protein 2; minus strand), PRICKLE2-AS1 (PRICKLE2 antisense RNA 1; plus strand). Cytogenetic location: 3p14.1.
Variant type: single nucleotide variant.
Coding change: c.2126C>G on transcript NM_198859.4 (MANE Select); coding-DNA position 2126, C replaced by G.
Protein change: p.Ser709Cys; replaces serine 709 with cysteine.
Molecular consequence: missense variant. On other transcripts: non-coding transcript variant (1).
Genome position (GRCh38, 1-based): chr3:64,099,460, G>C on the plus strand (C>G on the coding strand, the complement: PRICKLE2 is on the minus strand). VCF-style: chr3-64099460-G-C. GRCh37 (hg19) VCF-style: chr3-64085136-G-C.
Other names: c.2126C>G, p.Ser709Cys (NM_001370528.1); short protein forms S709C.
Identifiers: ClinVar variation 626151 (VCV000626151.2), dbSNP rs1559505915, ClinGen allele CA353426731.

ClinVar aggregate classification (germline): Uncertain significance (1 of 4 stars; one submission).

Allele frequency attached by ClinVar (database versions not stated): gnomAD 0.00001; TOPMed 0.00002.
gnomAD v4.1: 5 of 1,585,010 alleles (0.00032%); highest among the groups gnomAD compares: African/African-American, 0.0054%; no homozygotes.

Submission:

Center for Genomics, Ann and Robert H. Lurie Children's Hospital of Chicago
Classification: Uncertain significance. Last evaluated: 2021-03-30. Review status: criteria provided, single submitter. Criteria: ACMG Guidelines, 2015. Collection method: clinical testing. Allele origin: germline.
Comment: PRICKLE2 NM_198859.3 exon 8 p.Ser709Cys (c.2126C>G): This variant has not been reported in the literature and is not present in large control databases. This variant amino acid Cysteine (Cys) is present in >10 species and is not well conserved among evolutionarily distant species; this suggests that this variant may not impact the protein. Additional computational prediction tools do not suggest an impact. In summary, data on this variant is insufficient for disease classification. Therefore, the clinical significance of this variant is uncertain.